The following is an entry in ClinVar:

ClinVar aggregate classification (germline): Likely benign. Review status: criteria provided, multiple submitters, no conflicts (2 of 4 stars). 2 submissions from 2 submitters: Likely benign (2). Last evaluated 2025-05-15.

Conditions:
Tuberous sclerosis 2 (TSC2). Identifiers: Orphanet 805, MedGen C1860707, MONDO:0013199, OMIM 613254.

Allele frequency attached by ClinVar (database versions not stated): gnomAD exomes below 0.00001.
gnomAD v4.1: 1 of 1,613,550 alleles (0.000062%); highest among the groups gnomAD compares: Admixed American, 0.0017%; no homozygotes.

Submissions (2):

Myriad Genetics, Inc.
Classification: Likely benign for Tuberous sclerosis 2. Last evaluated: 2025-05-15. Review status: criteria provided, single submitter. Criteria: Myriad Autosomal Dominant, Autosomal Recessive and X-Linked Classification Criteria (2023). Collection method: clinical testing. Allele origin: unknown.
Comment: This variant is considered likely benign. This variant is intronic and is not expected to impact mRNA splicing.

Labcorp Genetics (formerly Invitae), Labcorp
Classification: Likely benign for Tuberous sclerosis 2. Last evaluated: 2022-03-12. Review status: criteria provided, single submitter. Criteria: Invitae Variant Classification Sherloc (09022015). Collection method: clinical testing. Allele origin: germline.

NM_000548.5(TSC2):c.1840-7C>T

Gene: TSC2 (TSC complex subunit 2; plus strand). Cytogenetic location: 16p13.3.
Variant type: single nucleotide variant.
Coding change: c.1840-7C>T on transcript NM_000548.5 (MANE Select); 7 bases into the intron before coding-DNA position 1840, C replaced by T.
Molecular consequence: intron variant.
Genome position (GRCh38, 1-based): chr16:2,071,503, C>T. VCF-style: chr16-2071503-C-T. GRCh37 (hg19) VCF-style: chr16-2121504-C-T.
Other names: c.1840-7C>T (NM_001114382.3, NM_021055.3, NM_001370405.1 and 3 more transcripts); c.1729-7C>T (NM_001318827.2); c.1240-7C>T (NM_001318831.2); c.1693-7C>T (NM_001318829.2); c.1873-7C>T (NM_001318832.2).
Identifiers: ClinVar variation 1104687 (VCV001104687.10), dbSNP rs1567461653, ClinGen allele CA2499223292.
Genomic context (GRCh38, chr16:2,071,503, plus strand): 5'-GTGGGACGCCGCCTGTCCTGGGCCTGCACGAGCTTGGCTCTGGCTTTCACCATCCTCTTC[C>T]TGACAGGCCTTTGACTTCCTGTTGCTGCTGCGGGCCGACTCACTGCACCGCCTGGGCCTG-3'